The following is an entry in ClinVar:

NM_032119.4(ADGRV1):c.9366A>G (p.Thr3122=)

Gene: ADGRV1 (adhesion G protein-coupled receptor V1; plus strand). Cytogenetic location: 5q14.3.
Variant type: single nucleotide variant.
Coding change: c.9366A>G on transcript NM_032119.4 (MANE Select); coding-DNA position 9366, A replaced by G.
Protein change: p.Thr3122=; no amino-acid change (threonine 3122 retained).
Molecular consequence: synonymous variant. On other transcripts: non-coding transcript variant (1).
Genome position (GRCh38, 1-based): chr5:90,716,648, A>G. VCF-style: chr5-90716648-A-G. GRCh37 (hg19) VCF-style: chr5-90012465-A-G.
Identifiers: ClinVar variation 197493 (VCV000197493.31), dbSNP rs200412477, ClinGen allele CA202910.

ClinVar aggregate classification (germline): Benign/Likely benign. Review status: criteria provided, multiple submitters, no conflicts (2 of 4 stars). 9 submissions from 9 submitters: Benign (6); Likely benign (1). 2 of the submissions do not count toward it. Last evaluated 2026-02-01.

Conditions:
Usher syndrome type 2C. Also called: Usher syndrome, type 2B; USHER SYNDROME, TYPE IIC. Identifiers: Orphanet 231178, Orphanet 886, MedGen C2931213, MONDO:0011558, OMIM 605472.

Allele frequency attached by ClinVar (database versions not stated): gnomAD 0.00006 and 0.00091; ESP Exome Variant Server 0.00008; TOPMed 0.00025; 1000 Genomes Project 30x 0.00562; 1000 Genomes Project 0.00579; gnomAD exomes 0.00186 and 0.00390; ExAC 0.00427.
gnomAD v4.1: 2,890 of 1,613,346 alleles (0.18%); highest among the groups gnomAD compares: South Asian, 3%; 62 homozygotes.

Submissions (9):

Labcorp Genetics (formerly Invitae), Labcorp
Classification: Benign. Last evaluated: 2026-02-01. Review status: criteria provided, single submitter. Criteria: Invitae Variant Classification Sherloc (09022015). Collection method: clinical testing. Allele origin: germline.

GeneDx
Classification: Benign. Last evaluated: 2018-05-23. Review status: criteria provided, single submitter. Criteria: GeneDx Variant Classification (06012015). Collection method: clinical testing. Allele origin: germline. Affected: yes.
Comment: This variant is considered likely benign or benign based on one or more of the following criteria: it is a conservative change, it occurs at a poorly conserved position in the protein, it is predicted to be benign by multiple in silico algorithms, and/or has population frequency not consistent with disease.

Athena Diagnostics
Classification: Benign. Last evaluated: 2018-04-11. Review status: criteria provided, single submitter. Criteria: Athena Diagnostics Criteria. Collection method: clinical testing. Allele origin: germline.

Illumina Laboratory Services, Illumina
Classification: Benign for Usher syndrome type 2C. Last evaluated: 2017-04-27. Review status: criteria provided, single submitter. Criteria: ICSL Variant Classification Criteria 13 December 2019. Collection method: clinical testing. Allele origin: germline.
Comment: This variant was observed as part of a predisposition screen in an ostensibly healthy population. A literature search was performed for the gene, cDNA change, and amino acid change (where applicable). Publications were found based on this search. The evidence from the literature, in combination with allele frequency data from public databases where available, was sufficient to rule this variant out of causing disease. Therefore, this variant is classified as benign.

Laboratory for Molecular Medicine, Mass General Brigham Personalized Medicine
Classification: Benign. Last evaluated: 2016-03-03. Review status: criteria provided, single submitter. Criteria: LMM Criteria. Collection method: clinical testing. Allele origin: germline. Observed: 3 variant alleles.
Comment: p.Thr3122Thr in Exon 43 of GPR98: This variant is not expected to have clinical significance because it does not alter an amino acid residue, is not located wit hin the splice consensus sequence, and has been identified in 3% (503/16486) of South Asian chromosomes by the Exome Aggregation Consortium (ExAC; dbSNP rs200412477).

Genetic Services Laboratory, University of Chicago
Classification: Likely benign. Last evaluated: 2015-05-15. Review status: criteria provided, single submitter. Criteria: ACMG Guidelines, 2015. Collection method: clinical testing. Allele origin: germline.

Eurofins Ntd Llc (ga)
Classification: Benign. Last evaluated: 2015-01-07. Review status: criteria provided, single submitter. Criteria: EGL Classification Definitions 2015. Collection method: clinical testing. Allele origin: germline. Observed: 1 variant allele, 1 heterozygote.

Clinical Genetics DNA and cytogenetics Diagnostics Lab, Erasmus MC, Erasmus Medical Center
Classification: Benign. Review status: no assertion criteria provided. Collection method: clinical testing. Allele origin: germline. Affected: yes. Study: VKGL Data-share Consensus. Not counted in ClinVar's aggregate classification.

Clinical Genetics, Academic Medical Center
Classification: Benign. Review status: no assertion criteria provided. Collection method: clinical testing. Allele origin: germline. Affected: yes. Study: VKGL Data-share Consensus. Not counted in ClinVar's aggregate classification.

Literature cited by the submitters: PubMed 24498627 (cited by Illumina Laboratory Services, Illumina).